The following is an entry in ClinVar:

NM_172107.4(KCNQ2):c.1354G>A (p.Ala452Thr)

Gene: KCNQ2 (potassium voltage-gated channel subfamily Q member 2; minus strand). Cytogenetic location: 20q13.33.
Variant type: single nucleotide variant.
Coding change: c.1354G>A on transcript NM_172107.4 (MANE Select); coding-DNA position 1354, G replaced by A.
Protein change: p.Ala452Thr; replaces alanine 452 with threonine.
Molecular consequence: missense variant.
Genome position (GRCh38, 1-based): chr20:63,415,074, C>T on the plus strand (G>A on the coding strand, the complement: KCNQ2 is on the minus strand). VCF-style: chr20-63415074-C-T. GRCh37 (hg19) VCF-style: chr20-62046427-C-T.
Other names: c.1300G>A, p.Ala434Thr (NM_001382235.1, NM_172106.3); c.1270G>A, p.Ala424Thr (NM_004518.6); c.1264G>A, p.Ala422Thr (NM_172108.5); short protein forms A422T, A424T, A434T, A452T.
Identifiers: ClinVar variation 1011047 (VCV001011047.9), dbSNP rs2080245324, ClinGen allele CA409646763.
Genomic context (GRCh38, chr20:63,415,074, plus strand): 5'-TCTGGTCGGCGCTGGGTGACCGCCTCACAGTCTGGGCCTGCGGGGACCCCTTCCCCTTGG[C>T]AGCCACGCCTCGGGGGCTGGAGAAGACACGATCTTTCAAACTGACCTTCTGGCTGCTCCC-3'
Protein context (NP_742105.1, residues 442-462): RVFSSPRGVA[Ala452Thr]KGKGSPQAQT

ClinVar aggregate classification (germline): Uncertain significance (1 of 4 stars; one submission).

Conditions:
Early-infantile DEE. Also called: Ohtahara syndrome; Early infantile epileptic encephalopathy with suppression bursts; Early infantile epileptic encephalopathy. Identifiers: Orphanet 1934, MedGen C0393706, MONDO:0800491.

Submission:

Labcorp Genetics (formerly Invitae), Labcorp
Classification: Uncertain significance for Early-infantile DEE. Last evaluated: 2021-02-03. Review status: criteria provided, single submitter. Criteria: Invitae Variant Classification Sherloc (09022015). Collection method: clinical testing. Allele origin: germline.
Comment: In summary, the available evidence is currently insufficient to determine the role of this variant in disease. Therefore, it has been classified as a Variant of Uncertain Significance. Algorithms developed to predict the effect of missense changes on protein structure and function output the following: SIFT: "Tolerated"; PolyPhen-2: "Benign"; Align-GVGD: "Class C0". The threonine amino acid residue is found in multiple mammalian species, suggesting that this missense change does not adversely affect protein function. These predictions have not been confirmed by published functional studies and their clinical significance is uncertain. This variant has not been reported in the literature in individuals with KCNQ2-related conditions. This variant is not present in population databases (ExAC no frequency). This sequence change replaces alanine with threonine at codon 452 of the KCNQ2 protein (p.Ala452Thr). The alanine residue is moderately conserved and there is a small physicochemical difference between alanine and threonine.